The following is an entry in ClinVar:

NM_000152.5(GAA):c.1075G>A (p.Gly359Arg)

Gene: GAA (alpha glucosidase; plus strand). Cytogenetic location: 17q25.3.
Variant type: single nucleotide variant.
Coding change: c.1075G>A on transcript NM_000152.5 (MANE Select); coding-DNA position 1075, G replaced by A.
Protein change: p.Gly359Arg; replaces glycine 359 with arginine.
Molecular consequence: missense variant.
Genome position (GRCh38, 1-based): chr17:80,108,409, G>A. VCF-style: chr17-80108409-G-A. GRCh37 (hg19) VCF-style: chr17-78082208-G-A.
Other names: NM_001079804.3:c.1075G>A; c.1075G>A, p.Gly359Arg (NM_001079804.3, NM_001406741.1, NM_001406742.1 and 1 more transcripts); short protein forms G359R.
Identifiers: ClinVar variation 2727745 (VCV002727745.4), dbSNP rs1064794288, ClinGen allele CA401364835.

ClinVar aggregate classification (germline): Pathogenic. Review status: reviewed by expert panel (3 of 4 stars). 3 submissions from 3 submitters: Pathogenic (1). 2 of the submissions do not count toward it. Last evaluated 2025-11-04.

Conditions:
Glycogen storage disease, type II (IOPD). Also called: CARDIOMEGALIA GLYCOGENICA DIFFUSA; GLYCOGENOSIS, GENERALIZED, CARDIAC FORM; GSD II; Glycogen storage disease type 2; Acid maltase deficiency disease; Aglucosidase alfa. Identifiers: Orphanet 365, MedGen C0017921, MONDO:0009290, OMIM 232300.

Submissions (3):

ClinGen Lysosomal Storage Disorder Variant Curation Expert Panel
Classification: Pathogenic for Glycogen storage disease, type II. Last evaluated: 2025-11-04. Review status: reviewed by expert panel. Criteria: clingen_lsd_acmg_specifications_v2-1. Collection method: curation. Allele origin: germline. Inheritance: Autosomal recessive inheritance.
Comment: The NM_000152.5(GAA):c.1075G>A (p.Gly359Arg) variant alters the last nucleotide of exon 6 of in GAA. RT-PCR analysis of fibroblast RNA from a homozygous individual that showed that a cryptic splice donor site in exon 6, located four nucleotides upstream at c.1071 is used instead of the normal splice site. This results in loss of 4 nucleotides from the transcript (c.1071_1075del), causing a frameshift and premature termination codon, predicted to result in nonsense-mediated decay (p.Val358AspfsTer33) This cryptic splice site is also predicted by SpliceAI (score for donor gain 4 bp upstream = 0.86; score for donor loss at the normal slice junction = 0.71). Quantitative PCR revealed that all GAA exons were expressed at very low levels in this patient (PMID: 25243733) (PVS1). Two patients (PMID: 17573812/22613277 and 25243733) have been reported with this variant and GAA activity <10% in muscle samples or in the affected range in a clinically validated dried blood spot assay (PMID: 17573812/22613277 and 25243733). Additionally, two patients were reported to be on enzyme replacement therapy (PMID: 22613277, 32248831) (PP4_Moderate). At least two patients with late onset Pompe disease are compound heterozygous for the NM_000152.5(GAA):c.1075G>A (p.Gly359Arg) variant and another variant in GAA that has been classified as pathogenic by the ClinGen Lysosomal Diseases VCEP, NM_000152.5(GAA):c.-32-13T>G. One patient is homozygous for the NM_000152.5(GAA):c.1075G>A (p.Gly359Arg) variant (PMID: 25243733) (PM3). This variant is absent in gnomAD v4.1.0. (PM2_Supporting). There is a ClinVar entry for this variant (Variation ID: 2727745; 1 star review status) with one submitter classifying the variant as pathogenic. In summary, this variant meets the criteria to be classified as pathogenic for Pompe disease. GAA-specific ACMG/AMP criteria met, based on ClinGen Lysosomal Diseases Variant Curation Expert Panel (Specifications Version 2.0.0): PVS1, PP4_Moderate, PM3, PM2_supporting. (Classification approved by the ClinGen Lysosomal Diseases Variant Curation Expert Panel on November 4, 2025)

Genomenon, Inc
Classification: Pathogenic for Glycogen storage disease, type II. Last evaluated: 2026-07-01. Review status: criteria provided, single submitter. Criteria: Genomenon Sequence Variant Interpretation Standards - Updated. Collection method: curation. Allele origin: germline. Affected: yes. Not counted in ClinVar's aggregate classification.
Comment: GAA p.Gly359Arg (c.1075G>A) is a missense variant that changes the amino acid at codon 359 from Glycine to Arginine. This variant has been observed in at least one proband with a GAA-related disorder (PMID:31545528;25243733;32248831;17573812;22613277). Functional studies have been reported (PMID:32222271). At least one splicing study has demonstrated that this variant results in aberrant splicing (PMID:25243733). It is absent or not present at a significant frequency in gnomAD. In conclusion, we classify GAA p.Gly359Arg (c.1075G>A) as a pathogenic variant.

Labcorp Genetics (formerly Invitae), Labcorp
Classification: Pathogenic for Glycogen storage disease, type II. Last evaluated: 2023-11-13. Review status: criteria provided, single submitter. Criteria: Invitae Variant Classification Sherloc (09022015). Collection method: clinical testing. Allele origin: germline. Not counted in ClinVar's aggregate classification.
Comment: This sequence change replaces glycine, which is neutral and non-polar, with arginine, which is basic and polar, at codon 359 of the GAA protein (p.Gly359Arg). RNA analysis indicates that this missense change induces altered splicing and may result in an absent or disrupted protein product. This variant is not present in population databases (gnomAD no frequency). This missense change has been observed in individual(s) with Pompe disease (PMID: 22613277, 25243733). An algorithm developed to predict the effect of missense changes on protein structure and function (PolyPhen-2) suggests that this variant is likely to be disruptive. Variants that disrupt the consensus splice site are a relatively common cause of aberrant splicing (PMID: 17576681, 9536098). Studies have shown that this missense change results in activation of a cryptic splice site and introduces a premature termination codon (PMID: 25243733). The resulting mRNA is expected to undergo nonsense-mediated decay. For these reasons, this variant has been classified as Pathogenic.

Literature cited by the submitters: PubMed 31545528 (cited by Genomenon, Inc); PubMed 25243733 (cited by Genomenon, Inc and Labcorp Genetics (formerly Invitae), Labcorp); PubMed 32248831 (cited by Genomenon, Inc); PubMed 17573812 (cited by Genomenon, Inc); PubMed 22613277 (cited by Genomenon, Inc and Labcorp Genetics (formerly Invitae), Labcorp); PubMed 32222271 (cited by Genomenon, Inc); PubMed 17576681 (cited by Labcorp Genetics (formerly Invitae), Labcorp); PubMed 9536098 (cited by Labcorp Genetics (formerly Invitae), Labcorp).